The following is an entry in ClinVar:

ClinVar aggregate classification (germline): Uncertain significance (1 of 4 stars; one submission).

Submission:

Ambry Genetics
Classification: Uncertain significance. Last evaluated: 2025-03-04. Review status: criteria provided, single submitter. Criteria: Ambry Variant Classification Scheme 2023. Collection method: clinical testing. Allele origin: germline.
Comment: The p.N1102H variant (also known as c.3304A>C), located in coding exon 1 of the TET2 gene, results from an A to C substitution at nucleotide position 3304. The asparagine at codon 1102 is replaced by histidine, an amino acid with similar properties. This amino acid position is conserved. In addition, this alteration is predicted to be tolerated by in silico analysis. Based on the available evidence, the clinical significance of this variant remains unclear.

NM_001127208.3(TET2):c.3304A>C (p.Asn1102His)

Genes: TET2 (tet methylcytosine dioxygenase 2; plus strand), TET2-AS1 (TET2 antisense RNA 1; minus strand). Cytogenetic location: 4q24.
Variant type: single nucleotide variant.
Coding change: c.3304A>C on transcript NM_001127208.3 (MANE Select); coding-DNA position 3304, A replaced by C.
Protein change: p.Asn1102His; replaces asparagine 1102 with histidine.
Molecular consequence: missense variant.
Genome position (GRCh38, 1-based): chr4:105,237,246, A>C. VCF-style: chr4-105237246-A-C. GRCh37 (hg19) VCF-style: chr4-106158403-A-C.
Other names: c.3304A>C, p.Asn1102His (NM_017628.4); short protein forms N1102H.
Identifiers: ClinVar variation 3806105 (VCV003806105.1).